The following is an entry in ClinVar:

NM_000969.5(RPL5):c.15dup (p.Val6fs)

Genes: DIPK1A (divergent protein kinase domain 1A; minus strand), RPL5 (ribosomal protein L5; plus strand). Cytogenetic location: 1p22.1.
Variant type: Duplication.
Coding change: c.15dup on transcript NM_000969.5 (MANE Select); coding-DNA position 15, one base duplicated (A; older notation c.15dupA).
Protein change: p.Val6fs; shifts the reading frame from valine 6.
Molecular consequence: frameshift variant. On other transcripts: non-coding transcript variant (1), intron variant (1).
Genome position (GRCh38, 1-based): chr1:92,833,400, A duplicated; the last of 3 consecutive A bases (chr1:92,833,398-92,833,400); duplicating any one gives the same sequence. VCF-style (leftmost placement, unchanged base first): chr1-92833397-T-TA. GRCh37 (hg19) VCF-style: chr1-93298954-T-TA.
Other names: c.15dupA (NM_000969.3); c.475-364dup (NM_001252273.2); short protein forms V6fs.
Identifiers: ClinVar variation 851814 (VCV000851814.11), dbSNP rs1686990676, ClinGen allele CA916082043.
Genomic context (GRCh38, chr1:92,833,397, plus strand): 5'-AGTATCATAGGCTAAGACATCAAAGTTTTAATAACATTCTTTTTTCTTTAAGGGGTTTGT[T>TA]AAAGTTGTTAAGAATAAGGCCTACTTTAAGAGATACCAAGTGAAATTTAGAAGACGACGA-3'

ClinVar aggregate classification (germline): Pathogenic/Likely pathogenic. Review status: criteria provided, multiple submitters, no conflicts (2 of 4 stars). 3 submissions from 3 submitters: Pathogenic (1); Likely pathogenic (2). Last evaluated 2025-12-24.

Conditions:
Diamond-Blackfan anemia. Also called: Blackfan Diamond syndrome; Aregenerative anemia chronic congenital; Red cell aplasia, pure hereditary; Congenital hypoplastic anemia; Aase syndrome. Identifiers: Orphanet 124, MedGen C1260899, MeSH D029503, MONDO:0015253, HP:0004810.
Diamond-Blackfan anemia 6 (DBA6). Also called: RPL5-Related Diamond-Blackfan Anemia. Identifiers: Orphanet 124, MedGen C2931850, MONDO:0012937, OMIM 612561.
RPL5-related disorder. Also called: RPL5-related condition.

Submissions (3):

PreventionGenetics, part of Exact Sciences
Classification: Likely pathogenic for RPL5-related condition. Last evaluated: 2025-12-24. Review status: criteria provided, single submitter. Criteria: ACMG Guidelines, 2015. Collection method: clinical testing. Allele origin: germline.
Comment: The RPL5 c.15dupA variant is predicted to result in a frameshift and premature protein termination (p.Val6Serfs*3). To our knowledge, this variant has not been reported in literature. Of note, other truncating variants in the surrounding region of this variant have been reported in the patients with Diamond-Blackfan anemia (Ulirsch et al. 2018. PubMed ID: 30503522; Quarello et al. 2009. PubMed ID: 19773262; Gazda et al. 2008. PubMed ID: 19061985, ClinVar). This variant has not been reported in a large population database (gnomAD), indicating this variant is rare. Frameshift variants in RPL5 are expected to be pathogenic. This variant is interpreted as likely pathogenic.

3billion
Classification: Likely pathogenic for Diamond-Blackfan anemia 6. Last evaluated: 2025-10-03. Review status: criteria provided, single submitter. Criteria: ACMG Guidelines, 2015. Collection method: clinical testing. Allele origin: germline. Affected: yes.
Comment: The variant is not observed in the gnomAD v4.1.0 dataset. Predicted Consequence/Location: Frameshift: predicted to result in a loss or disruption of normal protein function through nonsense-mediated decay (NMD) or protein truncation. Multiple pathogenic variants are reported downstream of the variant. The variant has been reported to be associated with RPL5-related disorder (ClinVar ID: VCV000851814). Therefore, this variant is classified as Likely pathogenic according to the recommendation of ACMG/AMP guideline.

Labcorp Genetics (formerly Invitae), Labcorp
Classification: Pathogenic for Diamond-Blackfan anemia. Last evaluated: 2019-03-03. Review status: criteria provided, single submitter. Criteria: Invitae Variant Classification Sherloc (09022015). Collection method: clinical testing. Allele origin: germline.
Comment: This variant is not present in population databases (ExAC no frequency). This sequence change creates a premature translational stop signal (p.Val6Serfs*3) in the RPL5 gene. It is expected to result in an absent or disrupted protein product. This variant has not been reported in the literature in individuals with RPL5-related conditions. For these reasons, this variant has been classified as Pathogenic. Loss-of-function variants in RPL5 are known to be pathogenic (PMID: 19061985, 19773262).

Literature cited by the submitters: PubMed 19061985 (cited by Labcorp Genetics (formerly Invitae), Labcorp); PubMed 19773262 (cited by Labcorp Genetics (formerly Invitae), Labcorp).